The following is an entry in ClinVar:

NM_001374385.1(ATP8B1):c.3699G>A (p.Pro1233=)

Genes: ATP8B1 (ATPase phospholipid transporting 8B1; minus strand), ATP8B1-AS1 (ATP8B1 antisense RNA 1; plus strand). Cytogenetic location: 18q21.31.
Variant type: single nucleotide variant.
Coding change: c.3699G>A on transcript NM_001374385.1 (MANE Select); coding-DNA position 3699, G replaced by A.
Protein change: p.Pro1233=; no amino-acid change (proline 1233 retained).
Molecular consequence: synonymous variant.
Genome position (GRCh38, 1-based): chr18:57,648,545, C>T on the plus strand (G>A on the coding strand, the complement: ATP8B1 is on the minus strand). VCF-style: chr18-57648545-C-T. GRCh37 (hg19) VCF-style: chr18-55315777-C-T.
Other names: p.Pro1233=; c.3549G>A, p.Pro1183= (NM_001374386.1); c.3699G>A, p.Pro1233= (NM_005603.6).
Identifiers: ClinVar variation 259824 (VCV000259824.15), dbSNP rs35953143, ClinGen allele CA8973929.

ClinVar aggregate classification (germline): Benign. Review status: criteria provided, multiple submitters, no conflicts (2 of 4 stars). 6 submissions from 6 submitters: Benign (6). Last evaluated 2026-04-14.

Conditions:
Familial intrahepatic cholestasis. Identifiers: Orphanet 284385, MedGen CN296401, MONDO:0017290.
Progressive familial intrahepatic cholestasis type 1. Also called: BYLER DISEASE; Byler's disease; Severe ATP8B1 Deficiency (Progressive Familial Intrahepatic Cholestasis Type 1 [PFIC1]). Identifiers: Orphanet 79306, MedGen C4551898, MONDO:0008892, OMIM 211600.

Allele frequency attached by ClinVar (database versions not stated): ExAC 0.00262; 1000 Genomes Project 0.00679; 1000 Genomes Project 30x 0.00718; ESP Exome Variant Server 0.00741; TOPMed 0.00835.

Submissions (6):

Genomenon, Inc
Classification: Benign for Familial intrahepatic cholestasis. Last evaluated: 2026-04-14. Review status: criteria provided, single submitter. Criteria: Genomenon Sequence Variant Interpretation Standards - Updated. Collection method: curation. Allele origin: germline. Affected: no.
Comment: ATP8B1 c.3699G>A is a synonymous variant that retains Proline at residue 1233. This variant is present at high allele frequency in population databases. In conclusion, we classify ATP8B1 p.Pro1233= (c.3699G>A) as a benign variant.

Labcorp Genetics (formerly Invitae), Labcorp
Classification: Benign. Last evaluated: 2026-02-02. Review status: criteria provided, single submitter. Criteria: Invitae Variant Classification Sherloc (09022015). Collection method: clinical testing. Allele origin: germline.

Mayo Clinic Laboratories, Mayo Clinic
Classification: Benign. Last evaluated: 2021-12-15. Review status: criteria provided, single submitter. Criteria: ACMG Guidelines, 2015. Collection method: clinical testing. Allele origin: germline. Observed: 7 variant alleles.
Comment: BA1, BP4, BP7

Illumina Laboratory Services, Illumina
Classification: Benign for Progressive familial intrahepatic cholestasis type 1. Last evaluated: 2017-04-28. Review status: criteria provided, single submitter. Criteria: ICSL Variant Classification Criteria 13 December 2019. Collection method: clinical testing. Allele origin: germline.
Comment: This variant was observed as part of a predisposition screen in an ostensibly healthy population. A literature search was performed for the gene, cDNA change, and amino acid change (where applicable). Publications were found based on this search. The evidence from the literature, in combination with allele frequency data from public databases where available, was sufficient to rule this variant out of causing disease. Therefore, this variant is classified as benign.

GeneDx
Classification: Benign. Last evaluated: 2016-05-09. Review status: criteria provided, single submitter. Criteria: GeneDx Variant Classification (06012015). Collection method: clinical testing. Allele origin: germline. Affected: yes.
Comment: This variant is considered likely benign or benign based on one or more of the following criteria: it is a conservative change, it occurs at a poorly conserved position in the protein, it is predicted to be benign by multiple in silico algorithms, and/or has population frequency not consistent with disease.

PreventionGenetics, part of Exact Sciences
Classification: Benign. Review status: criteria provided, single submitter. Criteria: ACMG Guidelines, 2015. Collection method: clinical testing. Allele origin: germline.

Literature cited by the submitters: PubMed 24260417 (cited by Illumina Laboratory Services, Illumina).